The following is an entry in ClinVar:

NM_016156.6(MTMR2):c.1096del (p.Lys367fs)

Gene: MTMR2 (myotubularin related protein 2; minus strand). Cytogenetic location: 11q21.
Variant type: Deletion.
Coding change: c.1096del on transcript NM_016156.6 (MANE Select); coding-DNA position 1096, one base deleted (C; older notation c.1096delC).
Protein change: p.Lys367fs; shifts the reading frame from lysine 367.
Molecular consequence: frameshift variant.
Genome position (GRCh38, 1-based): chr11:95,847,797, G deleted on the plus strand (C on the coding strand, the reverse complement: MTMR2 is on the minus strand). VCF-style (leftmost placement, unchanged base first): chr11-95847796-AG-A. GRCh37 (hg19) VCF-style: chr11-95580960-AG-A.
Other names: c.1096delC (NM_016156.6); c.880del, p.Lys295fs (NM_001243571.2, NM_201278.3, NM_201281.3); short protein forms K295fs, K367fs.
Identifiers: ClinVar variation 2637502 (VCV002637502.1), dbSNP rs2496483164, ClinGen allele CA2695198949.

ClinVar aggregate classification (germline): Pathogenic (1 of 4 stars; one submission).

Conditions:
Charcot-Marie-Tooth disease type 4B1. Also called: CHARCOT-MARIE-TOOTH DISEASE, AUTOSOMAL RECESSIVE, WITH FOCALLY FOLDED MYELIN SHEATHS, AUTOSOMAL RECESSIVE, TYPE 4B1; CHARCOT-MARIE-TOOTH DISEASE, TYPE 4B; Charcot-Marie-Tooth Neuropathy Type 4B1; CHARCOT-MARIE-TOOTH DISEASE, DEMYELINATING, TYPE 4B1. Identifiers: Orphanet 99955, MedGen C1832399, MONDO:0011066, OMIM 601382.

Submission:

Women's Health and Genetics/Laboratory Corporation of America, LabCorp
Classification: Pathogenic for Charcot-Marie-Tooth disease type 4B1. Last evaluated: 2023-10-26. Review status: criteria provided, single submitter. Criteria: LabCorp Variant Classification Summary - May 2015. Collection method: clinical testing. Allele origin: germline.
Comment: Variant summary: MTMR2 c.1096delC (p.Lys367ArgfsX23) results in a premature termination codon, predicted to cause a truncation of the encoded protein or absence of the protein due to nonsense mediated decay, which are commonly known mechanisms for disease. The variant was absent in 251160 control chromosomes. To our knowledge, no occurrence of c.1096delC in individuals affected with Charcot-Marie-Tooth disease type 4B1 and no experimental evidence demonstrating its impact on protein function have been reported. No submitters have cited clinical-significance assessments for this variant to ClinVar after 2014. Based on the evidence outlined above, the variant was classified as pathogenic.